The following is an entry in ClinVar:

ClinVar aggregate classification (germline): Conflicting classifications of pathogenicity. Review status: criteria provided, conflicting classifications (1 of 4 stars). 8 submissions from 6 submitters: Uncertain significance (6); Likely benign (2). Last evaluated 2025-10-21.

Conditions:
Metachondromatosis (METCDS). Identifiers: Orphanet 2499, MedGen C0410530, MONDO:0007979, OMIM 156250.
Noonan syndrome 1 (NS1). Also called: PTPN11-Related Noonan Syndrome; FEMALE PSEUDO-TURNER SYNDROME; TURNER PHENOTYPE WITH NORMAL KARYOTYPE. Identifiers: Orphanet 648, MedGen C4551602, MONDO:0008104, OMIM 163950. Disease mechanism: gain of function.
Juvenile myelomonocytic leukemia (JMML). Also called: LEUKEMIA, JUVENILE MYELOMONOCYTIC, SOMATIC. Identifiers: Orphanet 86834, MedGen C0349639, MONDO:0011908, OMIM 607785, HP:0012209.
LEOPARD syndrome 1 (LPRD1). Also called: LENTIGINOSIS, CARDIOMYOPATHIC; MULTIPLE LENTIGINES SYNDROME; PTPN11-Related LEOPARD Syndrome. Identifiers: Orphanet 500, MedGen C4551484, MONDO:0100082, OMIM 151100.
Cardiovascular phenotype. Identifiers: MedGen CN230736.
RASopathy. Also called: rasopathies; Noonan spectrum disorder. Identifiers: Orphanet 536391, MedGen C5555857, MONDO:0021060.

Allele frequency attached by ClinVar (database versions not stated): ExAC 0.00001; TOPMed 0.00003.
gnomAD v4.1: 14 of 1,614,160 alleles (0.00087%); highest among the groups gnomAD compares: Non-Finnish European, 0.0011%; no homozygotes.

Submissions (8):

Labcorp Genetics (formerly Invitae), Labcorp
Classification: Uncertain significance for RASopathy. Last evaluated: 2025-10-21. Review status: criteria provided, single submitter. Criteria: Invitae Variant Classification Sherloc (09022015). Collection method: clinical testing. Allele origin: germline.
Comment: This sequence change falls in intron 13 of the PTPN11 gene. It does not directly change the encoded amino acid sequence of the PTPN11 protein. It affects a nucleotide within the consensus splice site. This variant is present in population databases (rs142606486, gnomAD 0.0009%). This variant has not been reported in the literature in individuals affected with PTPN11-related conditions. ClinVar contains an entry for this variant (Variation ID: 488167). Variants that disrupt the consensus splice site are a relatively common cause of aberrant splicing (PMID: 17576681, 9536098). Algorithms developed to predict the effect of sequence changes on RNA splicing suggest that this variant is not likely to affect RNA splicing. In summary, the available evidence is currently insufficient to determine the role of this variant in disease. Therefore, it has been classified as a Variant of Uncertain Significance.

Fulgent Genetics
Classification: Uncertain significance for LEOPARD syndrome 1; Metachondromatosis; Noonan syndrome 1; Juvenile myelomonocytic leukemia. Last evaluated: 2024-01-23. Review status: criteria provided, single submitter. Criteria: ACMG Guidelines, 2015. Collection method: clinical testing. Allele origin: germline.

Blueprint Genetics
Classification: Likely benign. Last evaluated: 2024-01-10. Review status: criteria provided, single submitter. Criteria: ACMG Guidelines, 2015. Collection method: clinical testing. Allele origin: germline.

Ambry Genetics
Classification: Uncertain significance for Cardiovascular phenotype. Last evaluated: 2023-01-23. Review status: criteria provided, single submitter. Criteria: Ambry Variant Classification Scheme 2023. Collection method: clinical testing. Allele origin: germline.
Comment: The c.1599+4C>A intronic variant results from a C to A substitution 4 nucleotides after coding exon 13 in the PTPN11 gene. This nucleotide position is not well conserved in available vertebrate species. In silico splice site analysis predicts that this alteration will not have any significant effect on splicing. Since supporting evidence is limited at this time, the clinical significance of this alteration remains unclear.

GeneDx
Classification: Likely benign. Last evaluated: 2021-03-20. Review status: criteria provided, single submitter. Criteria: GeneDx Variant Classification Process June 2021. Collection method: clinical testing. Allele origin: germline. Affected: yes.

Phosphorus, Inc.
Classification: Uncertain significance for LEOPARD syndrome 1. Last evaluated: 2017-08-01. Review status: criteria provided, single submitter. Criteria: ACMG Guidelines, 2015. Collection method: clinical testing. Allele origin: germline. Observed: 1 variant allele.

Phosphorus, Inc.
Classification: Uncertain significance for Metachondromatosis. Last evaluated: 2017-08-01. Review status: criteria provided, single submitter. Criteria: ACMG Guidelines, 2015. Collection method: clinical testing. Allele origin: germline. Observed: 1 variant allele.

Phosphorus, Inc.
Classification: Uncertain significance for Noonan syndrome 1. Last evaluated: 2017-08-01. Review status: criteria provided, single submitter. Criteria: ACMG Guidelines, 2015. Collection method: clinical testing. Allele origin: germline. Observed: 1 variant allele.

Literature cited by the submitters: PubMed 17576681 (cited by Labcorp Genetics (formerly Invitae), Labcorp); PubMed 9536098 (cited by Labcorp Genetics (formerly Invitae), Labcorp).

NM_002834.5(PTPN11):c.1599+4C>A

Gene: PTPN11 (protein tyrosine phosphatase non-receptor type 11; plus strand). Cytogenetic location: 12q24.13.
Variant type: single nucleotide variant.
Coding change: c.1599+4C>A on transcript NM_002834.5 (MANE Select); 4 bases into the intron after coding-DNA position 1599, C replaced by A.
Molecular consequence: intron variant.
Genome position (GRCh38, 1-based): chr12:112,489,179, C>A. VCF-style: chr12-112489179-C-A. GRCh37 (hg19) VCF-style: chr12-112926983-C-A.
Other names: c.1611+4C>A (NM_001330437.2); c.1596+4C>A (NM_001374625.1).
Identifiers: ClinVar variation 488167 (VCV000488167.12), dbSNP rs142606486, ClinGen allele CA6798812.